The following is an entry in ClinVar:

ClinVar aggregate classification (germline): Conflicting classifications of pathogenicity. Review status: criteria provided, conflicting classifications (1 of 4 stars). 2 submissions from 2 submitters: Likely pathogenic (1); Uncertain significance (1). Last evaluated 2020-06-19.

Conditions:
Amyotrophic lateral sclerosis (ALS). Also called: Charcot disease; Lou Gehrig disease. Identifiers: Orphanet 803, MedGen C0002736, MONDO:0004976, HP:0007354.

Allele frequency attached by ClinVar (database versions not stated): gnomAD exomes below 0.00001; TOPMed below 0.00001; ExAC 0.00001; gnomAD 0.00001.
gnomAD v4.1: 6 of 1,613,750 alleles (0.00037%); highest among the groups gnomAD compares: African/African-American, 0.0013%; no homozygotes.

Submissions (2):

GeneDx
Classification: Likely pathogenic. Last evaluated: 2020-06-19. Review status: criteria provided, single submitter. Criteria: GeneDx Variant Classification Process June 2021. Collection method: clinical testing. Allele origin: germline. Affected: yes.
Comment: Not observed at a significant frequency in large population cohorts (Lek et al., 2016); In silico analysis, which includes protein predictors and evolutionary conservation, supports a deleterious effect; Has not been previously published as pathogenic or benign to our knowledge; This variant is associated with the following publications: (PMID: 32579787)

Suna and Inan Kirac Foundation Neurodegeneration Research Laboratory, Koc University
Classification: Uncertain significance for Amyotrophic lateral sclerosis. Last evaluated: 2020-03-31. Review status: criteria provided, single submitter. Criteria: ACMG Guidelines, 2015. Collection method: research. Allele origin: germline. Affected: yes. Observed: 1 variant allele.

NM_014845.6(FIG4):c.1448G>A (p.Arg483Gln)

Gene: FIG4 (FIG4 phosphoinositide 5-phosphatase; plus strand). Cytogenetic location: 6q21.
Variant type: single nucleotide variant.
Coding change: c.1448G>A on transcript NM_014845.6 (MANE Select); coding-DNA position 1448, G replaced by A.
Protein change: p.Arg483Gln; replaces arginine 483 with glutamine.
Molecular consequence: missense variant.
Genome position (GRCh38, 1-based): chr6:109,765,026, G>A. VCF-style: chr6-109765026-G-A. GRCh37 (hg19) VCF-style: chr6-110086229-G-A.
Other names: short protein forms R483Q.
Identifiers: ClinVar variation 873301 (VCV000873301.3), dbSNP rs749233172, ClinGen allele CA3956101.